The following is an entry in ClinVar:

ClinVar aggregate classification (germline): Uncertain significance (1 of 4 stars; one submission).

Conditions:
Hereditary hemorrhagic telangiectasia (HHT). Also called: ORW DISEASE; Osler Weber Rendu syndrome; OSLER-RENDU-WEBER DISEASE; Osler hemorrhagic telangiectasia syndrome. Identifiers: Orphanet 774, MedGen C0039445, MONDO:0019180. Disease mechanism: loss of function.

Submission:

Labcorp Genetics (formerly Invitae), Labcorp
Classification: Uncertain significance for Hereditary hemorrhagic telangiectasia. Last evaluated: 2026-01-02. Review status: criteria provided, single submitter. Criteria: Invitae Variant Classification Sherloc (09022015). Collection method: clinical testing. Allele origin: germline.
Comment: This sequence change replaces histidine, which is basic and polar, with proline, which is neutral and non-polar, at codon 117 of the ENG protein (p.His117Pro). This variant is not present in population databases (gnomAD no frequency). This missense change has been observed in individuals with clinical features of hereditary hemorrhagic telangiectasia (internal data). ClinVar contains an entry for this variant (Variation ID: 644414). Invitae Evidence Modeling of protein sequence and biophysical properties (such as structural, functional, and spatial information, amino acid conservation, physicochemical variation, residue mobility, and thermodynamic stability) indicates that this missense variant is not expected to disrupt ENG protein function with a negative predictive value of 95%. In summary, the available evidence is currently insufficient to determine the role of this variant in disease. Therefore, it has been classified as a Variant of Uncertain Significance.

NM_001114753.3(ENG):c.350A>C (p.His117Pro)

Gene: ENG (endoglin; minus strand). Cytogenetic location: 9q34.11.
Variant type: single nucleotide variant.
Coding change: c.350A>C on transcript NM_001114753.3 (MANE Select); coding-DNA position 350, A replaced by C.
Protein change: p.His117Pro; replaces histidine 117 with proline.
Molecular consequence: missense variant. On other transcripts: 5 prime UTR variant (1).
Genome position (GRCh38, 1-based): chr9:127,829,697, T>G on the plus strand (A>C on the coding strand, the complement: ENG is on the minus strand). VCF-style: chr9-127829697-T-G. GRCh37 (hg19) VCF-style: chr9-130591976-T-G.
Other names: c.350A>C, p.His117Pro (NM_000118.4, NM_001406715.1); c.-197A>C (NM_001278138.2); short protein forms H117P.
Identifiers: ClinVar variation 644414 (VCV000644414.10), dbSNP rs1588585799, ClinGen allele CA374985697.
Genomic context (GRCh38, chr9:127,829,697, plus strand): 5'-GACCTCCCATGGCCAGAGCCTCAGCCTGGGGTTGGAGGGAACACACTCACGTAGGCCAAG[T>G]GCAGTGGGATTCCCAGGGCCTGGAGATGCAGGAAGACACTGCTGTTTACACTGAGGACCA-3'
Protein context (NP_001108225.1, residues 107-127): LHLQALGIPL[His117Pro]LAYNSSLVTF